The following is an entry in ClinVar:

NM_001256789.3(CACNA1F):c.1316G>A (p.Arg439His)

Gene: CACNA1F (calcium voltage-gated channel subunit alpha1 F; minus strand). Cytogenetic location: Xp11.23.
Variant type: single nucleotide variant.
Coding change: c.1316G>A on transcript NM_001256789.3 (MANE Select); coding-DNA position 1316, G replaced by A.
Protein change: p.Arg439His; replaces arginine 439 with histidine.
Molecular consequence: missense variant.
Genome position (GRCh38, 1-based): chrX:49,226,663, C>T on the plus strand (G>A on the coding strand, the complement: CACNA1F is on the minus strand). VCF-style: chrX-49226663-C-T. GRCh37 (hg19) VCF-style: chrX-49083125-C-T.
Other names: c.1154G>A, p.Arg385His (NM_001256790.3); c.1349G>A, p.Arg450His (NM_005183.4); short protein forms R385H, R450H, R439H.
Identifiers: ClinVar variation 3679437 (VCV003679437.2).

ClinVar aggregate classification (germline): Uncertain significance (1 of 4 stars; one submission).

gnomAD v4.1: 6 of 1,183,376 alleles (0.00051%); highest among the groups gnomAD compares: Non-Finnish European, 0.00068%; no homozygotes.

Submission:

Labcorp Genetics (formerly Invitae), Labcorp
Classification: Uncertain significance. Last evaluated: 2024-11-22. Review status: criteria provided, single submitter. Criteria: Invitae Variant Classification Sherloc (09022015). Collection method: clinical testing. Allele origin: germline.
Comment: This sequence change replaces arginine, which is basic and polar, with histidine, which is basic and polar, at codon 450 of the CACNA1F protein (p.Arg450His). This variant is not present in population databases (gnomAD no frequency). This variant has not been reported in the literature in individuals affected with CACNA1F-related conditions. An algorithm developed to predict the effect of missense changes on protein structure and function outputs the following: PolyPhen-2: "Benign". The histidine amino acid residue is found in multiple mammalian species, which suggests that this missense change does not adversely affect protein function. In summary, the available evidence is currently insufficient to determine the role of this variant in disease. Therefore, it has been classified as a Variant of Uncertain Significance.